The following is an entry in ClinVar:

ClinVar aggregate classification (germline): Likely benign. Review status: criteria provided, single submitter (1 of 4 stars). 2 submissions from 2 submitters: Likely benign (1). 1 of the submissions does not count toward it. Last evaluated 2026-01-02.

Conditions:
ACACA-related disorder. Also called: ACACA-related condition.

Allele frequency attached by ClinVar (database versions not stated): 1000 Genomes Project 30x 0.00109; gnomAD 0.00034; ESP Exome Variant Server 0.00031; 1000 Genomes Project 0.00100; TOPMed 0.00024; gnomAD exomes 0.00040; ExAC 0.00079.
gnomAD v4.1: 643 of 1,614,016 alleles (0.04%); highest among the groups gnomAD compares: South Asian, 0.33%; 6 homozygotes.

Submissions (2):

Labcorp Genetics (formerly Invitae), Labcorp
Classification: Likely benign. Last evaluated: 2026-01-02. Review status: criteria provided, single submitter. Criteria: Invitae Variant Classification Sherloc (09022015). Collection method: clinical testing. Allele origin: germline.

PreventionGenetics, part of Exact Sciences
Classification: Likely benign for ACACA-related condition. Last evaluated: 2023-04-11. Review status: no assertion criteria provided. Collection method: clinical testing. Allele origin: germline. Not counted in ClinVar's aggregate classification.
Comment: This variant is classified as likely benign based on ACMG/AMP sequence variant interpretation guidelines (Richards et al. 2015 PMID: 25741868, with internal and published modifications).

NM_198834.3(ACACA):c.4324C>G (p.Leu1442Val)

Gene: ACACA (acetyl-CoA carboxylase alpha; minus strand). Cytogenetic location: 17q12.
Variant type: single nucleotide variant.
Coding change: c.4324C>G on transcript NM_198834.3 (MANE Select); coding-DNA position 4324, C replaced by G.
Protein change: p.Leu1442Val; replaces leucine 1442 with valine.
Molecular consequence: missense variant.
Genome position (GRCh38, 1-based): chr17:37,192,182, G>C on the plus strand (C>G on the coding strand, the complement: ACACA is on the minus strand). VCF-style: chr17-37192182-G-C. GRCh37 (hg19) VCF-style: chr17-35549123-G-C.
Other names: c.4213C>G, p.Leu1405Val (NM_198836.3, NM_198839.3); c.4039C>G, p.Leu1347Val (NM_198837.2); c.3979C>G, p.Leu1327Val (NM_198838.2); short protein forms L1327V, L1347V, L1405V, L1442V.
Identifiers: ClinVar variation 3047610 (VCV003047610.4), dbSNP rs146088438, ClinGen allele CA8515079.
Genomic context (GRCh38, chr17:37,192,182, plus strand): 5'-CACGAACAAAGAACCTGTAGTCTGTCACTTCTGTGCCCACTTCCACCTTGGCTGCCCCGA[G>C]ATACAGGTGCATCTTGTGATTAGCACATGGAATGGCAGTGAGGTCAAAATTTCTCATCCG-3'
Protein context (NP_942131.1, residues 1432-1452): PCANHKMHLY[Leu1442Val]GAAKVEVGTE